The following is an entry in ClinVar:

NM_005491.5(MAMLD1):c.171+7A>T

Gene: MAMLD1 (mastermind like domain containing 1; plus strand). Cytogenetic location: Xq28.
Variant type: single nucleotide variant.
Coding change: c.171+7A>T on transcript NM_005491.5 (MANE Select); 7 bases into the intron after coding-DNA position 171, A replaced by T.
Molecular consequence: intron variant.
Genome position (GRCh38, 1-based): chrX:150,462,853, A>T. VCF-style: chrX-150462853-A-T. GRCh37 (hg19) VCF-style: chrX-149631119-A-T.
Other names: c.171+7A>T (NM_001400515.1, NM_001400513.1, NM_001400512.1); c.97-6892A>T (NM_001177466.3, NM_001400514.1, NM_001177465.3).
Identifiers: ClinVar variation 3042215 (VCV003042215.2), dbSNP rs2521535823, ClinGen allele CA2579720518.

ClinVar aggregate classification (germline): Likely benign (0 of 4 stars; one submission).

Conditions:
MAMLD1-related disorder. Also called: MAMLD1-related condition.

Submission:

PreventionGenetics, part of Exact Sciences
Classification: Likely benign for MAMLD1-related condition. Last evaluated: 2020-02-04. Review status: no assertion criteria provided. Collection method: clinical testing. Allele origin: germline.
Comment: This variant is classified as likely benign based on ACMG/AMP sequence variant interpretation guidelines (Richards et al. 2015 PMID: 25741868, with internal and published modifications).